The following is an entry in ClinVar:

NM_001042413.2(GLIS3):c.8del (p.Gly3fs)

Gene: GLIS3 (GLIS family zinc finger 3; minus strand). Cytogenetic location: 9p24.2.
Variant type: Deletion.
Coding change: c.8del on transcript NM_001042413.2 (MANE Select); coding-DNA position 8, one base deleted (G; older notation c.8delG).
Protein change: p.Gly3fs; shifts the reading frame from glycine 3.
Molecular consequence: frameshift variant.
Genome position (GRCh38, 1-based): chr9:4,286,418, C deleted on the plus strand (G on the coding strand, the reverse complement: GLIS3 is on the minus strand); the first of 2 consecutive C bases (chr9:4,286,418-4,286,419); deleting either gives the same sequence. VCF-style (leftmost placement, unchanged base first): chr9-4286417-TC-T. GRCh37 (hg19) VCF-style: chr9-4286417-TC-T.
Other names: short protein forms G3fs.
Identifiers: ClinVar variation 3030919 (VCV003030919.3), dbSNP rs765684343, ClinGen allele CA4968739.

ClinVar aggregate classification (germline): Likely pathogenic. Review status: criteria provided, single submitter (1 of 4 stars). 2 submissions from 2 submitters: Likely pathogenic (1). 1 of the submissions does not count toward it. Last evaluated 2024-04-17.

Conditions:
Neonatal diabetes mellitus with congenital hypothyroidism. Also called: NDH SYNDROME. Identifiers: Orphanet 79118, MedGen C1857775, MONDO:0012436, OMIM 610199.
GLIS3-related disorder. Also called: GLIS3-related condition.

Submissions (2):

Fulgent Genetics
Classification: Likely pathogenic for Neonatal diabetes mellitus with congenital hypothyroidism. Last evaluated: 2024-04-17. Review status: criteria provided, single submitter. Criteria: ACMG Guidelines, 2015. Collection method: clinical testing. Allele origin: germline.

PreventionGenetics, part of Exact Sciences
Classification: Uncertain significance for GLIS3-related condition. Last evaluated: 2023-11-01. Review status: no assertion criteria provided. Collection method: clinical testing. Allele origin: germline. Not counted in ClinVar's aggregate classification.
Comment: The GLIS3 c.8delG variant is predicted to result in a frameshift and premature protein termination (p.Gly3Glufs*6). To our knowledge, this variant has not been reported in the literature in an individual with a GLIS3 related disorder. This variant is reported in 0.0041% of alleles in individuals of African descent in gnomAD. At this time, the clinical significance of this variant is uncertain due to the absence of conclusive functional and genetic evidence.